The following is an entry in ClinVar:

ClinVar aggregate classification (germline): Uncertain significance (1 of 4 stars; one submission).

gnomAD v4.1: 2 of 1,614,132 alleles (0.00012%); highest among the groups gnomAD compares: Non-Finnish European, 0.00017%; no homozygotes.

Submission:

Ambry Genetics
Classification: Uncertain significance. Last evaluated: 2025-07-25. Review status: criteria provided, single submitter. Criteria: Ambry Variant Classification Scheme 2023. Collection method: clinical testing. Allele origin: germline.
Comment: The p.R340P variant (also known as c.1019G>C), located in coding exon 1 of the CDK12 gene, results from a G to C substitution at nucleotide position 1019. The arginine at codon 340 is replaced by proline, an amino acid with dissimilar properties. This amino acid position is conserved. In addition, the in silico prediction for this alteration is inconclusive. Based on the available evidence, the clinical significance of this variant remains unclear.

NM_016507.4(CDK12):c.1019G>C (p.Arg340Pro)

Genes: CDK12 (cyclin dependent kinase 12; plus strand), LOC126862553 (CDK7 strongly-dependent group 2 enhancer GRCh37_chr17:37618166-37619365; plus strand). Cytogenetic location: 17q12.
Variant type: single nucleotide variant.
Coding change: c.1019G>C on transcript NM_016507.4 (MANE Select); coding-DNA position 1019, G replaced by C.
Protein change: p.Arg340Pro; replaces arginine 340 with proline.
Molecular consequence: missense variant.
Genome position (GRCh38, 1-based): chr17:39,463,090, G>C. VCF-style: chr17-39463090-G-C. GRCh37 (hg19) VCF-style: chr17-37619343-G-C.
Other names: c.1019G>C, p.Arg340Pro (NM_015083.4); short protein forms R340P.
Identifiers: ClinVar variation 4224308 (VCV004224308.1).